The following is an entry in ClinVar:

ClinVar aggregate classification (germline): Uncertain significance (1 of 4 stars; one submission).

Submission:

Labcorp Genetics (formerly Invitae), Labcorp
Classification: Uncertain significance. Last evaluated: 2022-04-23. Review status: criteria provided, single submitter. Criteria: Invitae Variant Classification Sherloc (09022015). Collection method: clinical testing. Allele origin: germline.
Comment: This sequence change replaces proline, which is neutral and non-polar, with serine, which is neutral and polar, at codon 231 of the TK2 protein (p.Pro231Ser). This variant is not present in population databases (gnomAD no frequency). This variant has not been reported in the literature in individuals affected with TK2-related conditions. Advanced modeling of protein sequence and biophysical properties (such as structural, functional, and spatial information, amino acid conservation, physicochemical variation, residue mobility, and thermodynamic stability) performed at Invitae indicates that this missense variant is expected to disrupt TK2 protein function. In summary, the available evidence is currently insufficient to determine the role of this variant in disease. Therefore, it has been classified as a Variant of Uncertain Significance.

NM_004614.5(TK2):c.691C>T (p.Pro231Ser)

Gene: TK2 (thymidine kinase 2; minus strand). Cytogenetic location: 16q21.
Variant type: single nucleotide variant.
Coding change: c.691C>T on transcript NM_004614.5 (MANE Select); coding-DNA position 691, C replaced by T.
Protein change: p.Pro231Ser; replaces proline 231 with serine.
Molecular consequence: missense variant. On other transcripts: synonymous variant (1), non-coding transcript variant (1).
Genome position (GRCh38, 1-based): chr16:66,513,739, G>A on the plus strand (C>T on the coding strand, the complement: TK2 is on the minus strand). VCF-style: chr16-66513739-G-A. GRCh37 (hg19) VCF-style: chr16-66547642-G-A.
Other names: c.598C>T, p.Pro200Ser (NM_001172643.1); c.616C>T, p.Pro206Ser (NM_001172644.2); c.637C>T, p.Pro213Ser (NM_001172645.2); c.544C>T, p.Pro182Ser (NM_001271934.2); c.429C>T, p.Pro143= (NM_001271935.1); c.400C>T, p.Pro134Ser (NM_001272050.2); short protein forms P206S, P213S, P182S, P134S, P200S, P231S.
Identifiers: ClinVar variation 1946344 (VCV001946344.3), dbSNP rs377466522, ClinGen allele CA396187045.
Genomic context (GRCh38, chr16:66,513,739, plus strand): 5'-GTCACTCCTCTTTCTAGAACAGTCTCGTACCCTGTAAGGGAGTCTTACTTACCAGAACAG[G>A]GGCTGCCATGGGGAAAAGGCTGCCTTTGATGAGCCACTCCTCATGGAGATGGTGAATTGC-3'
Protein context (NP_004605.4, residues 221-241): IKGSLFPMAA[Pro231Ser]VLVIEADHHM